The following is an entry in ClinVar:

ClinVar aggregate classification (germline): Pathogenic (1 of 4 stars; one submission).

Submission:

GeneDx
Classification: Pathogenic. Last evaluated: 2017-06-05. Review status: criteria provided, single submitter. Criteria: GeneDx Variant Classification (06012015). Collection method: clinical testing. Allele origin: germline. Affected: yes.
Comment: The c.1427_1428delCA variant has not been published as a pathogenic variant, nor has it been reported as a benign variant to our knowledge. The c.1427_1428delCA variant is not observed in large population cohorts (Lek et al., 2016; 1000 Genomes Consortium et al., 2015; Exome Variant Server). The c.1427_1428delCA variant causes a frameshift starting with codon Threonine 476, changes this amino acid to an Isoleucine residue and creates a premature Stop codon at position 7 of the new reading frame, denoted p.Thr476IlefsX7. This variant is predicted to cause loss of normal protein function either through protein truncation or nonsense-mediated mRNA decay. In summary, we interpret this variant as pathogenic.

NM_000182.5(HADHA):c.1427_1428del (p.Thr476fs)

Genes: GAREM2 (GRB2 associated regulator of MAPK1 subtype 2; plus strand), HADHA (hydroxyacyl-CoA dehydrogenase trifunctional multienzyme complex subunit alpha; minus strand). Cytogenetic location: 2p23.3.
Variant type: Microsatellite.
Coding change: c.1427_1428del on transcript NM_000182.5 (MANE Select); coding-DNA positions 1427 to 1428, 2 bases deleted (CA; older notation c.1427_1428delCA).
Protein change: p.Thr476fs; shifts the reading frame from threonine 476.
Molecular consequence: frameshift variant.
Genome position (GRCh38, 1-based): chr2:26,197,742-26,197,743, TG deleted on the plus strand (CA on the coding strand, the reverse complement: HADHA is on the minus strand); deleting any 2 consecutive bases within chr2:26,197,742-26,197,746 gives the same sequence; the c. name uses the placement nearest the transcript's 3' end. VCF-style (leftmost placement, unchanged base first): chr2-26197741-ATG-A. GRCh37 (hg19) VCF-style: chr2-26420610-ATG-A.
Other names: short protein forms T476fs.
Identifiers: ClinVar variation 432660 (VCV000432660.2), dbSNP rs1553312586, ClinGen allele CA645372360.